The following is an entry in ClinVar:

ClinVar aggregate classification (germline): Uncertain significance (1 of 4 stars; one submission).

Conditions:
Inborn genetic diseases. Identifiers: MedGen C0950123, MeSH D030342.

gnomAD v4.1: 1 of 1,613,898 alleles (0.000062%); no homozygotes.

Submission:

Ambry Genetics
Classification: Uncertain significance for Inborn genetic diseases. Last evaluated: 2024-03-16. Review status: criteria provided, single submitter. Criteria: Ambry Variant Classification Scheme 2023. Collection method: clinical testing. Allele origin: germline.
Comment: The p.V295L variant (also known as c.883G>C), located in coding exon 8 of the LRRK2 gene, results from a G to C substitution at nucleotide position 883. The valine at codon 295 is replaced by leucine, an amino acid with highly similar properties. This amino acid position is conserved. In addition, this alteration is predicted to be tolerated by in silico analysis. Based on the available evidence, the clinical significance of this alteration remains unclear.

NM_198578.4(LRRK2):c.883G>C (p.Val295Leu)

Gene: LRRK2 (leucine rich repeat kinase 2; plus strand). Cytogenetic location: 12q12.
Variant type: single nucleotide variant.
Coding change: c.883G>C on transcript NM_198578.4 (MANE Select); coding-DNA position 883, G replaced by C.
Protein change: p.Val295Leu; replaces valine 295 with leucine.
Molecular consequence: missense variant.
Genome position (GRCh38, 1-based): chr12:40,249,870, G>C. VCF-style: chr12-40249870-G-C. GRCh37 (hg19) VCF-style: chr12-40643672-G-C.
Other names: short protein forms V295L.
Identifiers: ClinVar variation 3291917 (VCV003291917.1).